The following is an entry in ClinVar:

NM_000843.4(GRM6):c.440_448dup (p.Ala147_Val149dup)

Gene: GRM6 (glutamate metabotropic receptor 6; minus strand). Cytogenetic location: 5q35.3.
Variant type: Duplication.
Coding change: c.440_448dup on transcript NM_000843.4 (MANE Select); coding-DNA positions 440 to 448, 9 bases duplicated (CCGTCGTGG; older notation c.440_448dupCCGTCGTGG).
Protein change: p.Ala147_Val149dup.
Molecular consequence: inframe insertion.
Genome position (GRCh38, 1-based): chr5:178,994,497-178,994,505, CCACGACGG duplicated on the plus strand (CCGTCGTGG on the coding strand, the reverse complement: GRM6 is on the minus strand); duplicating any 9 consecutive bases within chr5:178,994,497-178,994,513 gives the same sequence; the c. name uses the placement nearest the transcript's 3' end. VCF-style (leftmost placement, unchanged base first): chr5-178994496-C-CCCACGACGG. GRCh37 (hg19) VCF-style: chr5-178421497-C-CCCACGACGG.
Identifiers: ClinVar variation 1485234 (VCV001485234.8), dbSNP rs2113347555, ClinGen allele CA2573139408.

ClinVar aggregate classification (germline): Uncertain significance (1 of 4 stars; one submission).

Submission:

Labcorp Genetics (formerly Invitae), Labcorp
Classification: Uncertain significance. Last evaluated: 2022-07-05. Review status: criteria provided, single submitter. Criteria: Invitae Variant Classification Sherloc (09022015). Collection method: clinical testing. Allele origin: germline.
Comment: ClinVar contains an entry for this variant (Variation ID: 1485234). This variant has not been reported in the literature in individuals affected with GRM6-related conditions. This variant is not present in population databases (gnomAD no frequency). This variant, c.440_448dup, results in the insertion of 3 amino acid(s) of the GRM6 protein (p.Ala147_Val149dup), but otherwise preserves the integrity of the reading frame. Experimental studies and prediction algorithms are not available or were not evaluated, and the functional significance of this variant is currently unknown. In summary, the available evidence is currently insufficient to determine the role of this variant in disease. Therefore, it has been classified as a Variant of Uncertain Significance.